The following is an entry in ClinVar:

ClinVar aggregate classification (germline): Conflicting classifications of pathogenicity. Review status: criteria provided, conflicting classifications (1 of 4 stars). 5 submissions from 5 submitters: Uncertain significance (3); Likely benign (2). Last evaluated 2026-08-01.

Conditions:
AARS1-related disorder. Also called: AARS1-related condition.
Charcot-Marie-Tooth disease. Also called: Charcot-Marie-Tooth Hereditary Neuropathy; Charcot-Marie-Tooth Neuropathy. Identifiers: Orphanet 166, MedGen C0007959, MONDO:0015626.
Charcot-Marie-Tooth disease type 2. Also called: Charcot-Marie-Tooth type 2. Identifiers: Orphanet 64746, MedGen C0270914, MONDO:0018993.

Allele frequency attached by ClinVar (database versions not stated): gnomAD exomes 0.00014; ExAC 0.00017; TOPMed 0.00024; gnomAD 0.00030 and 0.00034; ESP Exome Variant Server 0.00031; 1000 Genomes Project 0.00060; 1000 Genomes Project 30x 0.00062.
gnomAD v4.1: 225 of 1,614,150 alleles (0.014%); highest among the groups gnomAD compares: African/African-American, 0.075%; 1 homozygote.

Submissions (5):

CeGaT Center for Human Genetics Tuebingen
Classification: Likely benign. Last evaluated: 2026-08-01. Review status: criteria provided, single submitter. Criteria: CeGaT Center For Human Genetics Tuebingen Variant Classification Criteria Version 2. Collection method: clinical testing. Allele origin: germline. Affected: yes. Observed: 1 variant allele.
Comment: AARS1: BP4

PreventionGenetics, part of Exact Sciences
Classification: Uncertain significance for AARS1-related condition. Last evaluated: 2026-03-31. Review status: criteria provided, single submitter. Criteria: ACMG Guidelines, 2015. Collection method: clinical testing. Allele origin: germline.
Comment: The AARS1 c.2222C>T variant is predicted to result in the amino acid substitution p.Thr741Met. This variant has been reported as a variant of uncertain significance in an individual from a large cohort study of Charcot-Marie-Tooth disease; however, additional evidence was not provided (Suppl. Table 2, Volodarsky et al. 2021. PubMed ID: 32376792). This variant is reported in 0.076% of alleles in individuals of African descent in gnomAD. Although we suspect that this variant may be benign, at this time, the clinical significance of this variant is uncertain due to the absence of conclusive functional and genetic evidence.

Labcorp Genetics (formerly Invitae), Labcorp
Classification: Likely benign for Charcot-Marie-Tooth disease type 2. Last evaluated: 2025-12-31. Review status: criteria provided, single submitter. Criteria: Invitae Variant Classification Sherloc (09022015). Collection method: clinical testing. Allele origin: germline.

GeneDx
Classification: Uncertain significance. Last evaluated: 2023-08-07. Review status: criteria provided, single submitter. Criteria: GeneDx Variant Classification Process June 2021. Collection method: clinical testing. Allele origin: germline. Affected: yes.
Comment: Reported previously as a variant of uncertain significance in a patient with a suspected diagnosis of Charcot-Marie-Tooth disease (CMT); however, no further clinical or segregation information was provided (Volodarsky et al., 2021); In silico analysis supports that this missense variant does not alter protein structure/function; This variant is associated with the following publications: (PMID: 25817015, 32376792)

Molecular Genetics Laboratory, London Health Sciences Centre
Classification: Uncertain significance for Charcot-Marie-Tooth disease. Review status: criteria provided, single submitter. Criteria: ACMG Guidelines, 2015. Collection method: clinical testing. Allele origin: germline. Affected: yes.

NM_001605.3(AARS1):c.2222C>T (p.Thr741Met)

Gene: AARS1 (alanyl-tRNA synthetase 1; minus strand). Cytogenetic location: 16q22.1.
Variant type: single nucleotide variant.
Coding change: c.2222C>T on transcript NM_001605.3 (MANE Select); coding-DNA position 2222, C replaced by T.
Protein change: p.Thr741Met; replaces threonine 741 with methionine.
Molecular consequence: missense variant.
Genome position (GRCh38, 1-based): chr16:70,255,792, G>A on the plus strand (C>T on the coding strand, the complement: AARS1 is on the minus strand). VCF-style: chr16-70255792-G-A. GRCh37 (hg19) VCF-style: chr16-70289695-G-A.
Other names: short protein forms T741M.
Identifiers: ClinVar variation 246148 (VCV000246148.17), dbSNP rs148383122, ClinGen allele CA8140510.